The following is an entry in ClinVar:

NM_130839.5(UBE3A):c.1196C>G (p.Pro399Arg)

Genes: SNHG14 (small nucleolar RNA host gene 14; plus strand), UBE3A (ubiquitin protein ligase E3A; minus strand). Cytogenetic location: 15q11.2.
Variant type: single nucleotide variant.
Coding change: c.1196C>G on transcript NM_130839.5 (MANE Select); coding-DNA position 1196, C replaced by G.
Protein change: p.Pro399Arg; replaces proline 399 with arginine.
Molecular consequence: missense variant. On other transcripts: non-coding transcript variant (1), intron variant (2).
Genome position (GRCh38, 1-based): chr15:25,370,978, G>C on the plus strand (C>G on the coding strand, the complement: UBE3A is on the minus strand). VCF-style: chr15-25370978-G-C. GRCh37 (hg19) VCF-style: chr15-25616125-G-C.
Other names: c.1205C>G, p.Pro402Arg (NM_000462.5); c.1196C>G, p.Pro399Arg (NM_001354505.1, NM_001354538.2, NM_001354545.2); c.1136C>G, p.Pro379Arg (NM_001354506.2, NM_001354507.2, NM_001354508.2 and 17 more transcripts); c.1019C>G, p.Pro340Arg (NM_001354546.2); c.301+4487C>G (NM_001354551.2); c.361+4487C>G (NM_001354550.2); short protein forms P379R, P340R, P399R, P402R.
Identifiers: ClinVar variation 458665 (VCV000458665.8), dbSNP rs267604140, ClinGen allele CA391354144.

ClinVar aggregate classification (germline): Uncertain significance (1 of 4 stars; one submission).

Conditions:
Angelman syndrome (AS). Also called: HAPPY PUPPET SYNDROME. Identifiers: Orphanet 72, MedGen C0162635, MONDO:0007113, OMIM 105830. Disease mechanism: loss of function. Inheritance: AS is caused by disruption of maternally imprinted UBE3A located within the 15q11.2-q13 Angelman syndrome/Prader-Willi syndrome (AS/PWS) region., imprinting disorder.

Submission:

Labcorp Genetics (formerly Invitae), Labcorp
Classification: Uncertain significance for Angelman syndrome. Last evaluated: 2022-08-15. Review status: criteria provided, single submitter. Criteria: Invitae Variant Classification Sherloc (09022015). Collection method: clinical testing. Allele origin: germline.
Comment: This variant is not present in population databases (gnomAD no frequency). This sequence change replaces proline, which is neutral and non-polar, with arginine, which is basic and polar, at codon 379 of the UBE3A protein (p.Pro379Arg). This variant has not been reported in the literature in individuals affected with UBE3A-related conditions. In summary, the available evidence is currently insufficient to determine the role of this variant in disease. Therefore, it has been classified as a Variant of Uncertain Significance. Algorithms developed to predict the effect of sequence changes on RNA splicing suggest that this variant may create or strengthen a splice site. Algorithms developed to predict the effect of missense changes on protein structure and function are either unavailable or do not agree on the potential impact of this missense change (SIFT: "Not Available"; PolyPhen-2: "Benign"; Align-GVGD: "Not Available"). ClinVar contains an entry for this variant (Variation ID: 458665).